The following is an entry in ClinVar:

NM_000651.6(CR1):c.3654C>T (p.Pro1218=)

Gene: CR1 (complement C3b/C4b receptor 1 (Knops blood group); plus strand). Cytogenetic location: 1q32.2.
Variant type: single nucleotide variant.
Coding change: c.3654C>T on transcript NM_000651.6 (MANE Select); coding-DNA position 3654, C replaced by T.
Protein change: p.Pro1218=; no amino-acid change (proline 1218 retained).
Molecular consequence: synonymous variant.
Genome position (GRCh38, 1-based): chr1:207,563,931, C>T. VCF-style: chr1-207563931-C-T. GRCh37 (hg19) VCF-style: chr1-207737276-C-T.
Other names: c.2304C>T, p.Pro768= (NM_000573.4, NM_001381851.1).
Identifiers: ClinVar variation 2639871 (VCV002639871.25), dbSNP rs56170518, ClinGen allele CA1369640.

ClinVar aggregate classification (germline): Likely benign. Review status: criteria provided, multiple submitters, no conflicts (2 of 4 stars). 2 submissions from 2 submitters: Likely benign (2). Last evaluated 2024-11-26.

Allele frequency attached by ClinVar (database versions not stated): ExAC 0.00008; 1000 Genomes Project 0.00359; 1000 Genomes Project 30x 0.00578; gnomAD exomes 0.00967; gnomAD 0.01409.
gnomAD v4.1: 14,873 of 1,479,902 alleles (1%); highest among the groups gnomAD compares: South Asian, 1.2%; 1,184 homozygotes.

Submissions (2):

Blueprint Genetics
Classification: Likely benign. Last evaluated: 2024-11-26. Review status: criteria provided, single submitter. Criteria: ACMG Guidelines, 2015. Collection method: clinical testing. Allele origin: germline.

CeGaT Center for Human Genetics Tuebingen
Classification: Likely benign. Last evaluated: 2023-12-01. Review status: criteria provided, single submitter. Criteria: CeGaT Center For Human Genetics Tuebingen Variant Classification Criteria Version 2. Collection method: clinical testing. Allele origin: germline. Affected: yes. Observed: 4 variant alleles.
Comment: CR1: BP4, BP7, BS2